The following is an entry in ClinVar:

NM_000541.5(SAG):c.806+5G>A

Gene: SAG (S-antigen visual arrestin; plus strand). Cytogenetic location: 2q37.1.
Variant type: single nucleotide variant.
Coding change: c.806+5G>A on transcript NM_000541.5 (MANE Select); 5 bases into the intron after coding-DNA position 806, G replaced by A.
Molecular consequence: intron variant.
Genome position (GRCh38, 1-based): chr2:233,331,717, G>A. VCF-style: chr2-233331717-G-A. GRCh37 (hg19) VCF-style: chr2-234240363-G-A.
Identifiers: ClinVar variation 1036611 (VCV001036611.7), dbSNP rs1378807861, ClinGen allele CA540040724.

ClinVar aggregate classification (germline): Uncertain significance (1 of 4 stars; one submission).

Allele frequency attached by ClinVar (database versions not stated): gnomAD exomes below 0.00001.
gnomAD v4.1: 4 of 1,609,790 alleles (0.00025%); highest among the groups gnomAD compares: South Asian, 0.0022%; no homozygotes.

Submission:

Labcorp Genetics (formerly Invitae), Labcorp
Classification: Uncertain significance. Last evaluated: 2020-03-27. Review status: criteria provided, single submitter. Criteria: Invitae Variant Classification Sherloc (09022015). Collection method: clinical testing. Allele origin: germline.
Comment: In summary, the available evidence is currently insufficient to determine the role of this variant in disease. Therefore, it has been classified as a Variant of Uncertain Significance. This sequence change falls in intron 10 of the SAG gene. It does not directly change the encoded amino acid sequence of the SAG protein, but it affects a nucleotide within the consensus splice site of the intron. This variant is not present in population databases (ExAC no frequency). This variant has not been reported in the literature in individuals with SAG-related conditions. Nucleotide substitutions within the consensus splice site are a relatively common cause of aberrant splicing (PMID: 17576681, 9536098). Algorithms developed to predict the effect of sequence changes on RNA splicing suggest that this variant may disrupt the consensus splice site, but this prediction has not been confirmed by published transcriptional studies.

Literature cited by the submitters: PubMed 17576681; PubMed 9536098.